The following is an entry in ClinVar:

NM_024577.4(SH3TC2):c.3457G>T (p.Ala1153Ser)

Gene: SH3TC2 (SH3 domain and tetratricopeptide repeats 2; minus strand). Cytogenetic location: 5q32.
Variant type: single nucleotide variant.
Coding change: c.3457G>T on transcript NM_024577.4 (MANE Select); coding-DNA position 3457, G replaced by T.
Protein change: p.Ala1153Ser; replaces alanine 1153 with serine.
Molecular consequence: missense variant.
Genome position (GRCh38, 1-based): chr5:149,008,872, C>A on the plus strand (G>T on the coding strand, the complement: SH3TC2 is on the minus strand). VCF-style: chr5-149008872-C-A. GRCh37 (hg19) VCF-style: chr5-148388435-C-A.
Other names: short protein forms A1153S.
Identifiers: ClinVar variation 944212 (VCV000944212.8), dbSNP rs778351829, ClinGen allele CA3498743.
Genomic context (GRCh38, chr5:149,008,872, plus strand): 5'-CCCTCTCATTCAACACACCCAATAGTGAAGACCACCCACCTGTGACTGTGCTGAGCCTGG[C>A]GGCCAGGGTGGCAAATTCCAAAGCCTTCTCATAGCCTTCGAGGCTAATCTGCAGCTCTGT-3'
Protein context (NP_078853.2, residues 1143-1163): EKALEFATLA[Ala1153Ser]RLSTVTGDQR

ClinVar aggregate classification (germline): Uncertain significance. Review status: criteria provided, multiple submitters, no conflicts (2 of 4 stars). 2 submissions from 2 submitters: Uncertain significance (2). Last evaluated 2023-06-09.

Conditions:
Charcot-Marie-Tooth disease type 4. Also called: Charcot-Marie-Tooth disease, type IV; Charcot-Marie-Tooth, Type 4. Identifiers: Orphanet 64749, MedGen C4082197, MONDO:0018995.

Allele frequency attached by ClinVar (database versions not stated): TOPMed 0.00001; ExAC 0.00002; gnomAD exomes 0.00002.
gnomAD v4.1: 17 of 1,614,042 alleles (0.0011%); highest among the groups gnomAD compares: Middle Eastern, 0.05%; no homozygotes.

Submissions (2):

Blueprint Genetics
Classification: Uncertain significance. Last evaluated: 2023-06-09. Review status: criteria provided, single submitter. Criteria: ACMG Guidelines, 2015. Collection method: clinical testing. Allele origin: germline.

Labcorp Genetics (formerly Invitae), Labcorp
Classification: Uncertain significance for Charcot-Marie-Tooth disease type 4. Last evaluated: 2022-07-11. Review status: criteria provided, single submitter. Criteria: Invitae Variant Classification Sherloc (09022015). Collection method: clinical testing. Allele origin: germline.
Comment: This sequence change replaces alanine, which is neutral and non-polar, with serine, which is neutral and polar, at codon 1153 of the SH3TC2 protein (p.Ala1153Ser). This variant is present in population databases (rs778351829, gnomAD 0.004%). This variant has not been reported in the literature in individuals affected with SH3TC2-related conditions. ClinVar contains an entry for this variant (Variation ID: 944212). Advanced modeling of protein sequence and biophysical properties (such as structural, functional, and spatial information, amino acid conservation, physicochemical variation, residue mobility, and thermodynamic stability) performed at Invitae indicates that this missense variant is not expected to disrupt SH3TC2 protein function. In summary, the available evidence is currently insufficient to determine the role of this variant in disease. Therefore, it has been classified as a Variant of Uncertain Significance.